The following is an entry in ClinVar:

NM_001003694.2(BRPF1):c.2432G>A (p.Arg811His)

Gene: BRPF1 (bromodomain and PHD finger containing 1; plus strand). Cytogenetic location: 3p25.3.
Variant type: single nucleotide variant.
Coding change: c.2432G>A on transcript NM_001003694.2 (MANE Select); coding-DNA position 2432, G replaced by A.
Protein change: p.Arg811His; replaces arginine 811 with histidine.
Molecular consequence: missense variant. On other transcripts: non-coding transcript variant (1).
Genome position (GRCh38, 1-based): chr3:9,743,698, G>A. VCF-style: chr3-9743698-G-A. GRCh37 (hg19) VCF-style: chr3-9785382-G-A.
Other names: c.2414G>A, p.Arg805His (NM_001319049.2, NM_001437892.1, NM_004634.3); c.2411G>A, p.Arg804His (NM_001319050.2, NM_001438342.1, NM_001438343.1 and 1 more transcripts); c.2429G>A, p.Arg810His (NM_001410704.1, NM_001438345.1); c.2432G>A, p.Arg811His (NM_001438344.1); short protein forms R804H, R805H, R810H, R811H.
Identifiers: ClinVar variation 4882169 (VCV004882169.2).
Genomic context (GRCh38, chr3:9,743,698, plus strand): 5'-AGCTAAAGCTGCTTCTGGAGCGGCTGGACGAAGTGAATGCCAGCAAGCAGAGTGTGGGCC[G>A]CTCACGGCGTGCAAAGATGATCAAGAAAGAGATGACGGCACTGCGGCGGAAGCTTGCCCA-3'
Protein context (NP_001003694.1, residues 801-821): EVNASKQSVG[Arg811His]SRRAKMIKKE

ClinVar aggregate classification (germline): Uncertain significance (1 of 4 stars; one submission).

Submission:

Dasa
Classification: Uncertain significance. Last evaluated: 2025-12-03. Review status: criteria provided, single submitter. Criteria: DASA Assertion Criteria. Collection method: clinical testing. Allele origin: germline.
Comment: NM_001003694.2(BRPF1):c.2432G>A (p.Arg811His) is a missense variant that results in the substitution of arginine with histidine. This variant is rare in population databases. The currently available literature and clinical evidence are not sufficient to establish a definitive association between this variant and the reported condition. Therefore, this variant is classified as a variant of uncertain significance.